The following is an entry in ClinVar:

ClinVar aggregate classification (germline): Uncertain significance (1 of 4 stars; one submission).

Conditions:
Hereditary cancer-predisposing syndrome. Also called: Neoplastic Syndromes, Hereditary; Tumor predisposition; Hereditary Cancer Syndrome; Hereditary neoplastic syndrome. Identifiers: Orphanet 140162, MedGen C0027672, MeSH D009386, MONDO:0015356.

Submission:

Ambry Genetics
Classification: Uncertain significance for Hereditary cancer-predisposing syndrome. Last evaluated: 2026-04-23. Review status: criteria provided, single submitter. Criteria: Ambry Variant Classification Scheme 2023. Collection method: clinical testing. Allele origin: germline.
Comment: The p.E342G variant (also known as c.1025A>G), located in coding exon 8 of the STK11 gene, results from an A to G substitution at nucleotide position 1025. The glutamic acid at codon 342 is replaced by glycine, an amino acid with similar properties. This amino acid position is conserved. In addition, the in silico prediction for this alteration is inconclusive. Based on the available evidence, the clinical significance of this variant remains unclear.

NM_000455.5(STK11):c.1025A>G (p.Glu342Gly)

Genes: STK11 (serine/threonine kinase 11; plus strand), LOC130062899 (ATAC-STARR-seq lymphoblastoid active region 13597; plus strand). Cytogenetic location: 19p13.3.
Variant type: single nucleotide variant.
Coding change: c.1025A>G on transcript NM_000455.5 (MANE Select); coding-DNA position 1025, A replaced by G.
Protein change: p.Glu342Gly; replaces glutamic acid 342 with glycine.
Molecular consequence: missense variant. On other transcripts: non-coding transcript variant (1).
Genome position (GRCh38, 1-based): chr19:1,223,089, A>G. VCF-style: chr19-1223089-A-G. GRCh37 (hg19) VCF-style: chr19-1223088-A-G.
Other names: c.1025A>G, p.Glu342Gly (NM_001407255.1); short protein forms E342G.
Identifiers: ClinVar variation 4865206 (VCV004865206.1).